The following is an entry in ClinVar:

NM_000455.5(STK11):c.862+3G>C

Gene: STK11 (serine/threonine kinase 11; plus strand). Cytogenetic location: 19p13.3.
Variant type: single nucleotide variant.
Coding change: c.862+3G>C on transcript NM_000455.5 (MANE Select); 3 bases into the intron after coding-DNA position 862, G replaced by C.
Molecular consequence: intron variant.
Genome position (GRCh38, 1-based): chr19:1,221,343, G>C. VCF-style: chr19-1221343-G-C. GRCh37 (hg19) VCF-style: chr19-1221342-G-C.
Other names: c.862+3G>C (NM_001407255.1).
Identifiers: ClinVar variation 4865205 (VCV004865205.1).

ClinVar aggregate classification (germline): Uncertain significance (1 of 4 stars; one submission).

Conditions:
Hereditary cancer-predisposing syndrome. Also called: Neoplastic Syndromes, Hereditary; Tumor predisposition; Hereditary Cancer Syndrome; Hereditary neoplastic syndrome. Identifiers: Orphanet 140162, MedGen C0027672, MeSH D009386, MONDO:0015356.

gnomAD v4.1: 1 of 1,604,314 alleles (0.000062%); no homozygotes.

Submission:

Ambry Genetics
Classification: Uncertain significance for Hereditary cancer-predisposing syndrome. Last evaluated: 2026-04-13. Review status: criteria provided, single submitter. Criteria: Ambry Variant Classification Scheme 2023. Collection method: clinical testing. Allele origin: germline.
Comment: The c.862+3G>C intronic variant results from a G to C substitution 3 nucleotides after coding exon 6 in the STK11 gene. This nucleotide position is not well conserved in available vertebrate species. In silico splice site analysis predicts that this alteration will not have any significant effect on splicing. Based on the available evidence, the clinical significance of this variant remains unclear.